The following is an entry in ClinVar:

ClinVar aggregate classification (germline): Uncertain significance (1 of 4 stars; one submission).

Submission:

GeneDx
Classification: Uncertain significance. Last evaluated: 2025-05-10. Review status: criteria provided, single submitter. Criteria: GeneDx Variant Classification Process June 2021. Collection method: clinical testing. Allele origin: germline. Affected: yes.
Comment: Not observed at significant frequency in large population cohorts (gnomAD); In silico analysis suggests that this missense variant does not alter protein structure/function; Has not been previously published as pathogenic or benign to our knowledge

NM_015100.4(POGZ):c.3085G>A (p.Glu1029Lys)

Gene: POGZ (pogo transposable element derived with ZNF domain; minus strand). Cytogenetic location: 1q21.3.
Variant type: single nucleotide variant.
Coding change: c.3085G>A on transcript NM_015100.4 (MANE Select); coding-DNA position 3085, G replaced by A.
Protein change: p.Glu1029Lys; replaces glutamic acid 1029 with lysine.
Molecular consequence: missense variant.
Genome position (GRCh38, 1-based): chr1:151,405,950, C>T on the plus strand (G>A on the coding strand, the complement: POGZ is on the minus strand). VCF-style: chr1-151405950-C-T. GRCh37 (hg19) VCF-style: chr1-151378426-C-T.
Other names: c.3058G>A, p.Glu1020Lys (NM_001194937.2); c.2899G>A, p.Glu967Lys (NM_001194938.2); c.3106G>A, p.Glu1036Lys (NM_001410860.1); c.2800G>A, p.Glu934Lys (NM_145796.4); c.2926G>A, p.Glu976Lys (NM_207171.2); short protein forms E1020K, E1029K, E1036K, E934K, E967K, E976K.
Identifiers: ClinVar variation 4528205 (VCV004528205.1).